The following is an entry in ClinVar:

NM_024753.5(TTC21B):c.3466C>T (p.His1156Tyr)

Gene: TTC21B (tetratricopeptide repeat domain 21B; minus strand). Cytogenetic location: 2q24.3.
Variant type: single nucleotide variant.
Coding change: c.3466C>T on transcript NM_024753.5 (MANE Select); coding-DNA position 3466, C replaced by T.
Protein change: p.His1156Tyr; replaces histidine 1156 with tyrosine.
Molecular consequence: missense variant.
Genome position (GRCh38, 1-based): chr2:165,884,012, G>A on the plus strand (C>T on the coding strand, the complement: TTC21B is on the minus strand). VCF-style: chr2-165884012-G-A. GRCh37 (hg19) VCF-style: chr2-166740522-G-A.
Other names: short protein forms H1156Y.
Identifiers: ClinVar variation 2414594 (VCV002414594.5), dbSNP rs1237164282, ClinGen allele CA349047340.

ClinVar aggregate classification (germline): Uncertain significance (1 of 4 stars; one submission).

Conditions:
Jeune thoracic dystrophy. Also called: Jeune syndrome; Infantile thoracic dystrophy; Thoracic pelvic phalangeal dystrophy; Jeune's syndrome; Chondroectodermal dysplasia-like syndrome; Short-rib thoracic dysplasia. Identifiers: Orphanet 474, MedGen C0265275, MONDO:0018770.
Nephronophthisis. Also called: Juvenile Nephronophthisis. Identifiers: Orphanet 655, MedGen C0687120, MONDO:0019005, HP:0000090.

Allele frequency attached by ClinVar (database versions not stated): gnomAD exomes 0.00001; TOPMed 0.00001; gnomAD 0.00002.
gnomAD v4.1: 12 of 1,613,706 alleles (0.00074%); highest among the groups gnomAD compares: South Asian, 0.0011%; no homozygotes.

Submission:

Labcorp Genetics (formerly Invitae), Labcorp
Classification: Uncertain significance for Jeune thoracic dystrophy; Nephronophthisis. Last evaluated: 2022-05-11. Review status: criteria provided, single submitter. Criteria: Invitae Variant Classification Sherloc (09022015). Collection method: clinical testing. Allele origin: germline.
Comment: This sequence change replaces histidine, which is basic and polar, with tyrosine, which is neutral and polar, at codon 1156 of the TTC21B protein (p.His1156Tyr). This variant is not present in population databases (gnomAD no frequency). This variant has not been reported in the literature in individuals affected with TTC21B-related conditions. Algorithms developed to predict the effect of missense changes on protein structure and function are either unavailable or do not agree on the potential impact of this missense change (SIFT: "Deleterious"; PolyPhen-2: "Benign"; Align-GVGD: "Class C0"). In summary, the available evidence is currently insufficient to determine the role of this variant in disease. Therefore, it has been classified as a Variant of Uncertain Significance.